The following is an entry in ClinVar:

NM_206926.2(SELENON):c.*1722T>C

Gene: SELENON (selenoprotein N; plus strand). Cytogenetic location: 1p36.11.
Variant type: single nucleotide variant.
Coding change: c.*1722T>C on transcript NM_206926.2 (MANE Select); 1722 bases downstream of the stop codon, T replaced by C.
Molecular consequence: 3 prime UTR variant.
Genome position (GRCh38, 1-based): chr1:25,817,440, T>C. VCF-style: chr1-25817440-T-C. GRCh37 (hg19) VCF-style: chr1-26143931-T-C.
Other names: c.*1722T>C (NM_020451.3).
Identifiers: ClinVar variation 297053 (VCV000297053.6), dbSNP rs4659383, ClinGen allele CA10609791.

ClinVar aggregate classification (germline): Benign. Review status: criteria provided, multiple submitters, no conflicts (2 of 4 stars). 2 submissions from 2 submitters: Benign (2). Last evaluated 2017-04-27.

Conditions:
SEPN1-related disorder. Also called: SEPN1-Related Disorders. Identifiers: MedGen CN239420.

Allele frequency attached by ClinVar (database versions not stated): gnomAD 0.80506 and 0.80938; 1000 Genomes Project 0.86222; gnomAD exomes 0.76667; TOPMed 0.81980; 1000 Genomes Project 30x 0.85775.
gnomAD v4.1: 123,332 of 152,218 alleles (81%); highest among the groups gnomAD compares: East Asian, 98%; 50,187 homozygotes.

Submissions (2):

Illumina Laboratory Services, Illumina
Classification: Benign for SEPN1-Related Disorders. Last evaluated: 2017-04-27. Review status: criteria provided, single submitter. Criteria: ICSL Variant Classification Criteria 13 December 2019. Collection method: clinical testing. Allele origin: germline.
Comment: This variant was observed as part of a predisposition screen in an ostensibly healthy population. A literature search was performed for the gene, cDNA change, and amino acid change (where applicable). No publications were found based on this search. Allele frequency data from public databases was too high to be consistent with this variant causing disease. Therefore, this variant is classified as benign.

Breakthrough Genomics
Classification: Benign. Review status: criteria provided, single submitter. Criteria: ACMG Guidelines, 2015. Collection method: not provided. Allele origin: germline. Inheritance: Autosomal recessive inheritance. Affected: yes.